The following is an entry in ClinVar:

NM_006206.6(PDGFRA):c.798C>G (p.Val266=)

Gene: PDGFRA (platelet derived growth factor receptor alpha; plus strand). Cytogenetic location: 4q12.
Variant type: single nucleotide variant.
Coding change: c.798C>G on transcript NM_006206.6 (MANE Select); coding-DNA position 798, C replaced by G.
Protein change: p.Val266=; no amino-acid change (valine 266 retained).
Molecular consequence: synonymous variant.
Genome position (GRCh38, 1-based): chr4:54,267,327, C>G. VCF-style: chr4-54267327-C-G. GRCh37 (hg19) VCF-style: chr4-55133494-C-G.
Other names: c.798C>G, p.Val266= (NM_001347827.2, NM_001347829.2); c.873C>G, p.Val291= (NM_001347828.2); c.837C>G, p.Val279= (NM_001347830.2).
Identifiers: ClinVar variation 528683 (VCV000528683.17), dbSNP rs370656660, ClinGen allele CA439286019.
Genomic context (GRCh38, chr4:54,267,327, plus strand): 5'-TTTTCTTCCCCTTTTGCTGTAGAAAGGCAAAGGCATCACAATGCTGGAAGAAATCAAAGT[C>G]CCATCCATCAAATTGGTGTACACTTTGACGGTCCCCGAGGCCACGGTGAAAGACAGTGGA-3'
Protein context (NP_006197.1, residues 256-276): KGITMLEEIK[Val266=]PSIKLVYTLT

ClinVar aggregate classification (germline): Benign/Likely benign. Review status: criteria provided, multiple submitters, no conflicts (2 of 4 stars). 4 submissions from 4 submitters: Benign (1); Likely benign (3). Last evaluated 2026-06-16.

Conditions:
Polyps, multiple and recurrent inflammatory fibroid, gastrointestinal. Identifiers: MedGen C5193005, MONDO:0008285, OMIM 175510.
Hereditary cancer-predisposing syndrome. Also called: Neoplastic Syndromes, Hereditary; Hereditary Cancer Syndrome; Tumor predisposition; Hereditary neoplastic syndrome. Identifiers: Orphanet 140162, MedGen C0027672, MeSH D009386, MONDO:0015356.
Gastrointestinal stromal tumor. Also called: Gastrointestinal stromal tumor, somatic; Gastrointestinal stroma tumor. Identifiers: Orphanet 44890, MedGen C0238198, MeSH D046152, MONDO:0011719, OMIM 606764, HP:0100723.

gnomAD v4.1: 5 of 1,614,170 alleles (0.00031%); highest among the groups gnomAD compares: Non-Finnish European, 0.00042%; no homozygotes.

Submissions (4):

Myriad Genetics, Inc.
Classification: Benign for Polyps, multiple and recurrent inflammatory fibroid, gastrointestinal. Last evaluated: 2026-06-16. Review status: criteria provided, single submitter. Criteria: Myriad Autosomal Dominant, Autosomal Recessive and X-Linked Classification Criteria (2023). Collection method: clinical testing. Allele origin: unknown.
Comment: This variant is considered benign. This variant is a silent/synonymous amino acid change and it is not expected to impact splicing.

CeGaT Center for Human Genetics Tuebingen
Classification: Likely benign. Last evaluated: 2026-03-01. Review status: criteria provided, single submitter. Criteria: CeGaT Center For Human Genetics Tuebingen Variant Classification Criteria Version 2. Collection method: clinical testing. Allele origin: germline. Affected: yes. Observed: 1 variant allele.
Comment: PDGFRA: BP4, BP7

Labcorp Genetics (formerly Invitae), Labcorp
Classification: Likely benign for Gastrointestinal stromal tumor. Last evaluated: 2025-12-24. Review status: criteria provided, single submitter. Criteria: Invitae Variant Classification Sherloc (09022015). Collection method: clinical testing. Allele origin: germline.

Ambry Genetics
Classification: Likely benign for Hereditary cancer-predisposing syndrome. Last evaluated: 2023-09-29. Review status: criteria provided, single submitter. Criteria: Ambry Variant Classification Scheme 2023. Collection method: clinical testing. Allele origin: germline.